The following is an entry in ClinVar:

NM_000098.3(CPT2):c.65G>T (p.Ser22Ile)

Genes: CPT2 (carnitine palmitoyltransferase 2; plus strand), LOC129930561 (ATAC-STARR-seq lymphoblastoid silent region 902; plus strand). Cytogenetic location: 1p32.3.
Variant type: single nucleotide variant.
Coding change: c.65G>T on transcript NM_000098.3 (MANE Select); coding-DNA position 65, G replaced by T.
Protein change: p.Ser22Ile; replaces serine 22 with isoleucine.
Molecular consequence: missense variant.
Genome position (GRCh38, 1-based): chr1:53,197,008, G>T. VCF-style: chr1-53197008-G-T. GRCh37 (hg19) VCF-style: chr1-53662680-G-T.
Other names: c.65G>T, p.Ser22Ile (NM_001330589.2); short protein forms S22I.
Identifiers: ClinVar variation 2038580 (VCV002038580.1), dbSNP rs1057287341, ClinGen allele CA340388668.

ClinVar aggregate classification (germline): Uncertain significance (1 of 4 stars; one submission).

Conditions:
Carnitine palmitoyltransferase II deficiency. Also called: Carnitine Palmitoyltransferase 2 Deficiency. Identifiers: Orphanet 157, MedGen C0342790, MONDO:0015515.

gnomAD v4.1: 22 of 1,533,544 alleles (0.0014%); highest among the groups gnomAD compares: Non-Finnish European, 0.0017%; no homozygotes.

Submission:

Labcorp Genetics (formerly Invitae), Labcorp
Classification: Uncertain significance for Carnitine palmitoyltransferase II deficiency. Last evaluated: 2021-07-28. Review status: criteria provided, single submitter. Criteria: Invitae Variant Classification Sherloc (09022015). Collection method: clinical testing. Allele origin: germline.
Comment: This sequence change replaces serine with isoleucine at codon 22 of the CPT2 protein (p.Ser22Ile). The serine residue is weakly conserved and there is a large physicochemical difference between serine and isoleucine. The frequency data for this variant in the population databases is considered unreliable, as metrics indicate insufficient coverage at this position in the ExAC database. This variant has not been reported in the literature in individuals affected with CPT2-related conditions. Advanced modeling of protein sequence and biophysical properties (such as structural, functional, and spatial information, amino acid conservation, physicochemical variation, residue mobility, and thermodynamic stability) performed at Invitae indicates that this missense variant is not expected to disrupt CPT2 protein function. In summary, the available evidence is currently insufficient to determine the role of this variant in disease. Therefore, it has been classified as a Variant of Uncertain Significance.